The following is an entry in ClinVar:

NM_001267550.2(TTN):c.22816+59A>T

Gene: TTN (titin; minus strand). Cytogenetic location: 2q31.2.
Variant type: single nucleotide variant.
Coding change: c.22816+59A>T on transcript NM_001267550.2 (MANE Select); 59 bases into the intron after coding-DNA position 22816, A replaced by T.
Molecular consequence: intron variant.
Genome position (GRCh38, 1-based): chr2:178,721,788, T>A on the plus strand (A>T on the coding strand, the complement: TTN is on the minus strand). VCF-style: chr2-178721788-T-A. GRCh37 (hg19) VCF-style: chr2-179586515-T-A.
Other names: c.13282+16294A>T (NM_003319.4); c.13858+16294A>T (NM_133437.4); c.13657+16294A>T (NM_133432.3); c.19084+59A>T (NM_133378.4); c.21865+59A>T (NM_001256850.1).
Identifiers: ClinVar variation 675636 (VCV000675636.2), dbSNP rs78035863, ClinGen allele CA60972568.

ClinVar aggregate classification (germline): Likely benign. Review status: criteria provided, multiple submitters, no conflicts (2 of 4 stars). 2 submissions from 2 submitters: Likely benign (2). Last evaluated 2018-06-14.

Allele frequency attached by ClinVar (database versions not stated): 1000 Genomes Project 0.00459; 1000 Genomes Project 30x 0.00468; gnomAD 0.00499 and 0.00542; TOPMed 0.00561.
gnomAD v4.1: 1,364 of 1,434,142 alleles (0.095%); highest among the groups gnomAD compares: African/African-American, 1.7%; 19 homozygotes.

Submissions (2):

GeneDx
Classification: Likely benign. Last evaluated: 2018-06-14. Review status: criteria provided, single submitter. Criteria: GeneDx Variant Classification (06012015). Collection method: clinical testing. Allele origin: germline. Affected: yes.
Comment: This variant is considered likely benign or benign based on one or more of the following criteria: it is a conservative change, it occurs at a poorly conserved position in the protein, it is predicted to be benign by multiple in silico algorithms, and/or has population frequency not consistent with disease.

Breakthrough Genomics
Classification: Likely benign. Review status: criteria provided, single submitter. Criteria: ACMG Guidelines, 2015. Collection method: not provided. Allele origin: germline. Inheritance: Autosomal recessive inheritance. Affected: yes.